The following is an entry in ClinVar:

ClinVar aggregate classification (germline): Uncertain significance (1 of 4 stars; one submission).

Conditions:
Norman-Roberts syndrome (LIS2). Also called: Lissencephaly 2 (Norman-Roberts type). Identifiers: Orphanet 89844, MedGen C0796089, MONDO:0009760, OMIM 257320.
Familial temporal lobe epilepsy 7. Identifiers: Orphanet 101046, MedGen C4225327, MONDO:0014639, OMIM 616436.

Allele frequency attached by ClinVar (database versions not stated): TOPMed below 0.00001; gnomAD 0.00001.
gnomAD v4.1: 1 of 1,613,520 alleles (0.000062%); highest among the groups gnomAD compares: Non-Finnish European, 0.000085%; no homozygotes.

Submission:

Labcorp Genetics (formerly Invitae), Labcorp
Classification: Uncertain significance for Familial temporal lobe epilepsy 7; Norman-Roberts syndrome. Last evaluated: 2023-03-23. Review status: criteria provided, single submitter. Criteria: Invitae Variant Classification Sherloc (09022015). Collection method: clinical testing. Allele origin: germline.
Comment: This sequence change falls in intron 11 of the RELN gene. It does not directly change the encoded amino acid sequence of the RELN protein. It affects a nucleotide within the consensus splice site. This variant is not present in population databases (gnomAD no frequency). This variant has not been reported in the literature in individuals affected with RELN-related conditions. Variants that disrupt the consensus splice site are a relatively common cause of aberrant splicing (PMID: 17576681, 9536098). Algorithms developed to predict the effect of sequence changes on RNA splicing suggest that this variant is not likely to affect RNA splicing. In summary, the available evidence is currently insufficient to determine the role of this variant in disease. Therefore, it has been classified as a Variant of Uncertain Significance.

Literature cited by the submitters: PubMed 17576681; PubMed 9536098.

NM_005045.4(RELN):c.1289+4A>G

Gene: RELN (reelin; minus strand). Cytogenetic location: 7q22.1.
Variant type: single nucleotide variant.
Coding change: c.1289+4A>G on transcript NM_005045.4 (MANE Select); 4 bases into the intron after coding-DNA position 1289, A replaced by G.
Molecular consequence: intron variant.
Genome position (GRCh38, 1-based): chr7:103,682,112, T>C on the plus strand (A>G on the coding strand, the complement: RELN is on the minus strand). VCF-style: chr7-103682112-T-C. GRCh37 (hg19) VCF-style: chr7-103322559-T-C.
Other names: c.1289+4A>G (NM_173054.3).
Identifiers: ClinVar variation 2932087 (VCV002932087.3), dbSNP rs1833665703, ClinGen allele CA1105324851.
Genomic context (GRCh38, chr7:103,682,112, plus strand): 5'-AAACACGTCCAGTAGAATAAATGTAAGTGCTACATACACAGCATGGGAGATAGCAATTAC[T>C]TACCCTGTAGGCTGGCTCTCAAATTCTTCTGACCATTGCTCTTGAATATCTTCTGTGGAA-3'